The following is an entry in ClinVar:

ClinVar aggregate classification (germline): Uncertain significance (1 of 4 stars; one submission).

Submission:

GeneDx
Classification: Uncertain significance. Last evaluated: 2025-06-25. Review status: criteria provided, single submitter. Criteria: GeneDx Variant Classification Process June 2021. Collection method: clinical testing. Allele origin: germline.
Comment: Not observed at significant frequency in large population cohorts (gnomAD); In silico analysis suggests that this missense variant does not alter protein structure/function; Has not been previously published as pathogenic or benign to our knowledge

NM_001111125.3(IQSEC2):c.3946G>A (p.Val1316Met)

Gene: IQSEC2 (IQ motif and Sec7 domain ArfGEF 2; minus strand). Cytogenetic location: Xp11.22.
Variant type: single nucleotide variant.
Coding change: c.3946G>A on transcript NM_001111125.3 (MANE Select); coding-DNA position 3946, G replaced by A.
Protein change: p.Val1316Met; replaces valine 1316 with methionine.
Molecular consequence: missense variant. On other transcripts: 3 prime UTR variant (2).
Genome position (GRCh38, 1-based): chrX:53,234,740, C>T on the plus strand (G>A on the coding strand, the complement: IQSEC2 is on the minus strand). VCF-style: chrX-53234740-C-T. GRCh37 (hg19) VCF-style: chrX-53263922-C-T.
Other names: c.*431G>A (NM_001410736.1, NM_015075.2); short protein forms V1316M.
Identifiers: ClinVar variation 3365806 (VCV003365806.2).